The following is an entry in ClinVar:

ClinVar aggregate classification (germline): Benign. Review status: criteria provided, multiple submitters, no conflicts (2 of 4 stars). 5 submissions from 5 submitters: Benign (4). 1 of the submissions does not count toward it. Last evaluated 2024-11-28.

Conditions:
SPTBN4-related disorder. Also called: SPTBN4-related condition.

Allele frequency attached by ClinVar (database versions not stated): ESP Exome Variant Server 0.00307; 1000 Genomes Project 0.12500; gnomAD 0.17096 and 0.17292.
gnomAD v4.1: 247,032 of 1,388,718 alleles (18%); highest among the groups gnomAD compares: Middle Eastern, 21%; 29,056 homozygotes.

Submissions (5):

Blueprint Genetics
Classification: Benign. Last evaluated: 2024-11-28. Review status: criteria provided, single submitter. Criteria: ACMG Guidelines, 2015. Collection method: clinical testing. Allele origin: germline.

Labcorp Genetics (formerly Invitae), Labcorp
Classification: Benign. Last evaluated: 2019-12-31. Review status: criteria provided, single submitter. Criteria: Invitae Variant Classification Sherloc (09022015). Collection method: clinical testing. Allele origin: germline.

GeneDx
Classification: Benign. Last evaluated: 2019-06-11. Review status: criteria provided, single submitter. Criteria: GeneDx Variant Classification Process June 2021. Collection method: clinical testing. Allele origin: germline. Affected: yes.

Breakthrough Genomics
Classification: Benign. Review status: criteria provided, single submitter. Criteria: ACMG Guidelines, 2015. Collection method: not provided. Allele origin: germline. Inheritance: Autosomal recessive inheritance. Affected: yes.

PreventionGenetics, part of Exact Sciences
Classification: Benign for SPTBN4-related condition. Last evaluated: 2019-09-24. Review status: no assertion criteria provided. Collection method: clinical testing. Allele origin: germline. Not counted in ClinVar's aggregate classification.
Comment: This variant is classified as benign based on ACMG/AMP sequence variant interpretation guidelines (Richards et al. 2015 PMID: 25741868, with internal and published modifications).

NM_020971.3(SPTBN4):c.1665+6G>T

Gene: SPTBN4 (spectrin beta, non-erythrocytic 4; plus strand). Cytogenetic location: 19q13.2.
Variant type: single nucleotide variant.
Coding change: c.1665+6G>T on transcript NM_020971.3 (MANE Select); 6 bases into the intron after coding-DNA position 1665, G replaced by T.
Molecular consequence: intron variant.
Genome position (GRCh38, 1-based): chr19:40,504,138, G>T. VCF-style: chr19-40504138-G-T. GRCh37 (hg19) VCF-style: chr19-41010045-G-T.
Identifiers: ClinVar variation 769455 (VCV000769455.9), dbSNP rs10420988, ClinGen allele CA9445701.
Genomic context (GRCh38, chr19:40,504,138, plus strand): 5'-GCAGAAGGTCTTCCAGGAGATGGTGTACATGGTGGACTGGATGGAGGAGATGCAGGTGCC[G>T]GCGGGGGGGCGGGGATGCGGGTGGAGTGCCAGGAGGGAGGGGAGGATGCAGACGCTGAAA-3'